The following is an entry in ClinVar:

NM_000256.3(MYBPC3):c.471C>G (p.Phe157Leu)

Gene: MYBPC3 (myosin binding protein C3; minus strand). Cytogenetic location: 11p11.2.
Variant type: single nucleotide variant.
Coding change: c.471C>G on transcript NM_000256.3 (MANE Select); coding-DNA position 471, C replaced by G.
Protein change: p.Phe157Leu; replaces phenylalanine 157 with leucine.
Molecular consequence: missense variant.
Genome position (GRCh38, 1-based): chr11:47,350,048, G>C on the plus strand (C>G on the coding strand, the complement: MYBPC3 is on the minus strand). VCF-style: chr11-47350048-G-C. GRCh37 (hg19) VCF-style: chr11-47371599-G-C.
Other names: short protein forms F157L.
Identifiers: ClinVar variation 4526609 (VCV004526609.1).
Genomic context (GRCh38, chr11:47,350,048, plus strand): 5'-TGCTGGGCACAGCAGCTCACACTCACCCACGGTCACCTCGCCATCCTGTGGCCGCATCAC[G>C]AAGAGGCCAATGGGGTCATCGGGGGCTCCAGGGGTAGGACCATTGAGAGCTGCTGAGCTT-3'
Protein context (NP_000247.2, residues 147-167): PGAPDDPIGL[Phe157Leu]VMRPQDGEVT

ClinVar aggregate classification (germline): Uncertain significance (1 of 4 stars; one submission).

Conditions:
Primary familial hypertrophic cardiomyopathy (HCM). Identifiers: Orphanet 99739, MedGen C0949658, MeSH D024741, MONDO:0024573. Inheritance: Various modes of inheritance.

Submission:

Petrovsky National Research Centre of Surgery, The Federal Agency for Scientific Organizations
Classification: Uncertain significance for Primary familial hypertrophic cardiomyopathy. Last evaluated: 2024-12-25. Review status: criteria provided, single submitter. Criteria: ACMG Guidelines, 2015. Collection method: research. Allele origin: unknown. Inheritance: Autosomal dominant inheritance. Affected: yes. Observed: 1 heterozygote.
Comment: Variant NM_000256.3: c.471C>G (p. Phe157Leu) is in The Genome Aggregation Database (gnomAD) v4.1.0 with total MAF=0 (Date of access 12-11-2024). Clinvar does not contains an entry for this variant. Most in silico predictors are inconclusive in the results. In accordance with ACMG(2015) criteria this variant is classified as Variant of Uncertain Significance (VUS) with following criteria selected: PM2.